The following is an entry in ClinVar:

NM_001079866.2(BCS1L):c.1102T>A (p.Phe368Ile)

Gene: BCS1L (BCS1 ubiquinol-cytochrome c reductase complex chaperone; plus strand). Cytogenetic location: 2q35.
Variant type: single nucleotide variant.
Coding change: c.1102T>A on transcript NM_001079866.2 (MANE Select); coding-DNA position 1102, T replaced by A.
Protein change: p.Phe368Ile; replaces phenylalanine 368 with isoleucine.
Molecular consequence: missense variant. On other transcripts: non-coding transcript variant (1).
Genome position (GRCh38, 1-based): chr2:218,663,228, T>A. VCF-style: chr2-218663228-T-A. GRCh37 (hg19) VCF-style: chr2-219527951-T-A.
Other names: c.1102T>A, p.Phe368Ile (NM_001257342.2, NM_001257343.2, NM_001257344.2 and 10 more transcripts); c.742T>A, p.Phe248Ile (NM_001318836.2, NM_001371451.1); c.601T>A, p.Phe201Ile (NM_001371452.1, NM_001371453.1, NM_001371454.1 and 3 more transcripts); short protein forms F201I, F248I, F368I.
Identifiers: ClinVar variation 4688571 (VCV004688571.1).

ClinVar aggregate classification (germline): Likely pathogenic (1 of 4 stars; one submission).

Conditions:
GRACILE syndrome (FLNMS). Also called: FELLMAN SYNDROME; FINNISH LETHAL NEONATAL METABOLIC SYNDROME. Identifiers: Orphanet 53693, MedGen C1864002, MONDO:0011308, OMIM 603358.

Submission:

Women's Health and Genetics/Laboratory Corporation of America, LabCorp
Classification: Likely pathogenic for GRACILE syndrome. Last evaluated: 2025-12-04. Review status: criteria provided, single submitter. Criteria: LabCorp Variant Classification Summary - May 2015. Collection method: clinical testing. Allele origin: germline.
Comment: Variant summary: BCS1L c.1102T>A (p.Phe368Ile) results in a non-conservative amino acid change in the encoded protein sequence. Algorithms developed to predict the effect of missense changes on protein structure and function all suggest that this variant is likely to be disruptive. The variant was absent in 251494 control chromosomes. c.1102T>A has been observed in an individual affected with GRACILE Syndrome (Fernandez-Vizarra_2007). At least one publication reports experimental evidence evaluating an impact on protein function and the most pronounced variant effect results in <10% of normal activity (Fernandez-Vizarra_2007, Conte_2011). The following publications have been ascertained in the context of this evaluation (PMID: 20727375, 17403714). No submitters have cited clinical-significance assessments for this variant to ClinVar. Based on the evidence outlined above, the variant was classified as likely pathogenic.

Literature cited by the submitters: PubMed 17403714; PubMed 20727375.